The following is an entry in ClinVar:

NM_004006.3(DMD):c.2351C>T (p.Ala784Val)

Gene: DMD (dystrophin; minus strand). Cytogenetic location: Xp21.1.
Variant type: single nucleotide variant.
Coding change: c.2351C>T on transcript NM_004006.3 (MANE Select); coding-DNA position 2351, C replaced by T.
Protein change: p.Ala784Val; replaces alanine 784 with valine.
Molecular consequence: missense variant.
Genome position (GRCh38, 1-based): chrX:32,501,784, G>A on the plus strand (C>T on the coding strand, the complement: DMD is on the minus strand). VCF-style: chrX-32501784-G-A. GRCh37 (hg19) VCF-style: chrX-32519901-G-A.
Other names: c.2327C>T, p.Ala776Val (NM_000109.4); c.2339C>T, p.Ala780Val (NM_004009.3); c.1982C>T, p.Ala661Val (NM_004010.3); short protein forms A784V, A661V, A780V, A776V.
Identifiers: ClinVar variation 3634852 (VCV003634852.3).

ClinVar aggregate classification (germline): Uncertain significance. Review status: criteria provided, single submitter (1 of 4 stars). 2 submissions from 2 submitters: Uncertain significance (1). 1 of the submissions does not count toward it. Last evaluated 2024-07-13.

Conditions:
Duchenne muscular dystrophy (DMD). Also called: MUSCULAR DYSTROPHY, PSEUDOHYPERTROPHIC PROGRESSIVE, DUCHENNE TYPE; Duchenne Muscular Dystrophy (DMD). Identifiers: Orphanet 98896, MedGen C0013264, MONDO:0010679, OMIM 310200.
Becker muscular dystrophy, Cardiomyopathy, Duchenne muscular dystrophy, Dystrophin deficiency.

Submissions (2):

Labcorp Genetics (formerly Invitae), Labcorp
Classification: Uncertain significance for Duchenne muscular dystrophy. Last evaluated: 2024-07-13. Review status: criteria provided, single submitter. Criteria: Invitae Variant Classification Sherloc (09022015). Collection method: clinical testing. Allele origin: germline.
Comment: This sequence change replaces alanine, which is neutral and non-polar, with valine, which is neutral and non-polar, at codon 784 of the DMD protein (p.Ala784Val). This variant is not present in population databases (gnomAD no frequency). This variant has not been reported in the literature in individuals affected with DMD-related conditions. Advanced modeling of protein sequence and biophysical properties (such as structural, functional, and spatial information, amino acid conservation, physicochemical variation, residue mobility, and thermodynamic stability) performed at Invitae indicates that this missense variant is not expected to disrupt DMD protein function with a negative predictive value of 95%. In summary, the available evidence is currently insufficient to determine the role of this variant in disease. Therefore, it has been classified as a Variant of Uncertain Significance.

Natera, Inc.
Classification: Uncertain significance for Becker muscular dystrophy, Cardiomyopathy, Duchenne muscular dystrophy, Dystrophin deficiency. Last evaluated: 2025-05-10. Review status: no assertion criteria provided. Collection method: clinical testing. Allele origin: germline. Not counted in ClinVar's aggregate classification.